The following is an entry in ClinVar:

NM_004341.5(CAD):c.2386C>A (p.Pro796Thr)

Genes: CAD (carbamoyl-phosphate synthetase 2, aspartate transcarbamylase, and dihydroorotase; plus strand), LOC126806171 (BRD4-independent group 4 enhancer GRCh37_chr2:27454350-27455549; plus strand). Cytogenetic location: 2p23.3.
Variant type: single nucleotide variant.
Coding change: c.2386C>A on transcript NM_004341.5 (MANE Select); coding-DNA position 2386, C replaced by A.
Protein change: p.Pro796Thr; replaces proline 796 with threonine.
Molecular consequence: missense variant.
Genome position (GRCh38, 1-based): chr2:27,231,566, C>A. VCF-style: chr2-27231566-C-A. GRCh37 (hg19) VCF-style: chr2-27454434-C-A.
Other names: c.2197C>A, p.Pro733Thr (NM_001306079.2); short protein forms P733T, P796T.
Identifiers: ClinVar variation 985980 (VCV000985980.8), dbSNP rs377241672, ClinGen allele CA1572990.

ClinVar aggregate classification (germline): Uncertain significance. Review status: criteria provided, multiple submitters, no conflicts (2 of 4 stars). 2 submissions from 2 submitters: Uncertain significance (2). Last evaluated 2022-04-04.

Conditions:
Inborn genetic diseases. Identifiers: MedGen C0950123, MeSH D030342.

Allele frequency attached by ClinVar (database versions not stated): gnomAD 0.00003 and 0.00004; ExAC 0.00004; gnomAD exomes 0.00004; TOPMed 0.00007; ESP Exome Variant Server 0.00008.

Submissions (2):

Labcorp Genetics (formerly Invitae), Labcorp
Classification: Uncertain significance. Last evaluated: 2022-04-04. Review status: criteria provided, single submitter. Criteria: Invitae Variant Classification Sherloc (09022015). Collection method: clinical testing. Allele origin: germline.
Comment: This sequence change replaces proline, which is neutral and non-polar, with threonine, which is neutral and polar, at codon 796 of the CAD protein (p.Pro796Thr). This variant is present in population databases (rs377241672, gnomAD 0.02%). This variant has not been reported in the literature in individuals affected with CAD-related conditions. ClinVar contains an entry for this variant (Variation ID: 985980). Algorithms developed to predict the effect of missense changes on protein structure and function (SIFT, PolyPhen-2, Align-GVGD) all suggest that this variant is likely to be tolerated. In summary, the available evidence is currently insufficient to determine the role of this variant in disease. Therefore, it has been classified as a Variant of Uncertain Significance.

Ambry Genetics
Classification: Uncertain significance for Inborn genetic diseases. Last evaluated: 2017-04-06. Review status: criteria provided, single submitter. Criteria: Ambry exome assertion method (8-5-2015). Collection method: clinical testing. Allele origin: germline. Affected: yes. Observed: 1 variant allele.